The following is an entry in ClinVar:

ClinVar aggregate classification (germline): Likely benign (1 of 4 stars; one submission).

Allele frequency attached by ClinVar (database versions not stated): gnomAD exomes 0.00033; gnomAD 0.00036; ESP Exome Variant Server 0.00038; TOPMed 0.00043; ExAC 0.00058; 1000 Genomes Project 0.00060; 1000 Genomes Project 30x 0.00062.
gnomAD v4.1: 566 of 1,613,228 alleles (0.035%); highest among the groups gnomAD compares: Middle Eastern, 0.33%; 4 homozygotes.

Submission:

CeGaT Center for Human Genetics Tuebingen
Classification: Likely benign. Last evaluated: 2026-08-01. Review status: criteria provided, single submitter. Criteria: CeGaT Center For Human Genetics Tuebingen Variant Classification Criteria Version 2. Collection method: clinical testing. Allele origin: germline. Affected: yes. Observed: 3 variant alleles.
Comment: ANGPT2: BP4, BP7

NM_001118887.2(ANGPT2):c.882T>C (p.Asn294=)

Genes: ANGPT2 (angiopoietin 2; minus strand), MCPH1 (microcephalin 1; plus strand). Cytogenetic location: 8p23.1.
Variant type: single nucleotide variant.
Coding change: c.882T>C on transcript NM_001118887.2 (MANE Select); coding-DNA position 882, T replaced by C.
Protein change: p.Asn294=; no amino-acid change (asparagine 294 retained).
Molecular consequence: synonymous variant. On other transcripts: intron variant (6).
Genome position (GRCh38, 1-based): chr8:6,519,909, A>G on the plus strand (T>C on the coding strand, the complement: ANGPT2 is on the minus strand). VCF-style: chr8-6519909-A-G. GRCh37 (hg19) VCF-style: chr8-6377430-A-G.
Other names: c.729T>C, p.Asn243= (NM_001118888.2); c.885T>C, p.Asn295= (NM_001147.3, NM_001386336.1); c.726T>C, p.Asn242= (NM_001386335.1); c.882T>C, p.Asn294= (NM_001386337.1); c.2214+19980A>G (NM_001322042.2, NM_024596.5, NM_001363979.1 and 2 more transcripts); c.1935+64657A>G (NM_001363980.2).
Identifiers: ClinVar variation 1711669 (VCV001711669.30), dbSNP rs144222266, ClinGen allele CA4611145.